The following is an entry in ClinVar:

NM_001849.4(COL6A2):c.2776_2784dup (p.Ile928_Val929insAsnAlaIle)

Gene: COL6A2 (collagen type VI alpha 2 chain; plus strand). Cytogenetic location: 21q22.3.
Variant type: Duplication.
Coding change: c.2776_2784dup on transcript NM_001849.4 (MANE Select); coding-DNA positions 2776 to 2784, 9 bases duplicated (AATGCCATC; older notation c.2776_2784dupAATGCCATC).
Protein change: p.Ile928_Val929insAsnAlaIle.
Genome position (GRCh38, 1-based): chr21:46,132,268-46,132,276, AATGCCATC duplicated; duplicating any 9 consecutive bases within chr21:46,132,262-46,132,276 gives the same sequence; the c. name uses the placement nearest the transcript's 3' end. VCF-style (leftmost placement, unchanged base first): chr21-46132261-C-CGCCATCAAT. GRCh37 (hg19) VCF-style: chr21-47552175-C-CGCCATCAAT.
Identifiers: ClinVar variation 3716066 (VCV003716066.2).

ClinVar aggregate classification (germline): Uncertain significance (1 of 4 stars; one submission).

Conditions:
Bethlem myopathy 1A. Also called: MYOPATHY, BENIGN CONGENITAL, WITH CONTRACTURES; Bethlem myopathy 1; Bethlem Muscular Dystrophy. Identifiers: Orphanet 610, MedGen CN029274, MONDO:0024530, OMIM 158810.

Submission:

Labcorp Genetics (formerly Invitae), Labcorp
Classification: Uncertain significance for Bethlem myopathy 1A. Last evaluated: 2024-08-16. Review status: criteria provided, single submitter. Criteria: Invitae Variant Classification Sherloc (09022015). Collection method: clinical testing. Allele origin: germline.
Comment: This variant, c.2776_2784dup, results in the insertion of 3 amino acid(s) of the COL6A2 protein (p.Asn926_Ile928dup), but otherwise preserves the integrity of the reading frame. This variant is present in population databases (rs780876483, gnomAD 0.03%). This variant has been observed in individual(s) with limb girdle muscular dystrophy (PMID: 35387801). Experimental studies and prediction algorithms are not available or were not evaluated, and the functional significance of this variant is currently unknown. In summary, the available evidence is currently insufficient to determine the role of this variant in disease. Therefore, it has been classified as a Variant of Uncertain Significance.

Literature cited by the submitters: PubMed 35387801.